The following is an entry in ClinVar:

ClinVar aggregate classification (germline): Uncertain significance. Review status: reviewed by expert panel (3 of 4 stars). 2 submissions from 2 submitters: Uncertain significance (1). 1 of the submissions does not count toward it. Last evaluated 2024-05-28.

Conditions:
Mitochondrial disease. Also called: Mitochondrial disorder; Mitochondrial disorders. Identifiers: Orphanet 68380, MedGen C0751651, MeSH D028361, MONDO:0044970.
Ophthalmoplegia, isolated. Identifiers: MedGen C4016605.

Submissions (2):

ClinGen Mitochondrial Disease Nuclear and Mitochondrial  Variant Curation Expert Panel, ClinGen
Classification: Uncertain significance for Mitochondrial disease. Last evaluated: 2024-05-28. Review status: reviewed by expert panel. Criteria: clingen mito disease acmg specifications v1-1. Collection method: curation. Allele origin: germline. Inheritance: Mitochondrial inheritance.
Comment: The m.5692T>C variant in MT-TN has been reported in two individuals with primary mitochondrial disease (PMIDs: 7980504, 9384601). The first reported case had chronic progressive external ophthalmoplegia (CPEO), muscle weakness, neuropathy, cerebellar signs, and cardiac involvement. Few ragged red fibers were noted on muscle biopsy. The variant was present at 56% heteroplasmy in muscle (PMID: 7980504). The second reported case had CPEO, exercise intolerance, myopathy, ataxia, deafness, peripheral neuropathy, and hypertrophic cardiomyopathy. Muscle biopsy showed ragged red and COX-negative fibers. The variant was present at 46% heteroplasmy in muscle and was undetectable in blood and fibroblasts. The variant was also undetectable in blood from the mother (PMID: 9384601). This variant is absent in the Helix dataset and gnomAD v3.1.2, and there is one occurrence in the GenBank dataset (PM2_supporting). MitoTIP predicts the variant is possible benign (46.6 percentile) and HmtVAR predicts the variant is pathogenic (score of 0.85). Single fiber testing showed higher levels of the variant in COX-negative fibers (88.2%, range 83.8-92.6%, n=11) than in COX-positive fibers (28.3%, range 9.4-47.2%, n=12) p<0.0001 (PS3_supporting, PMID: 11335700). In summary, this variant meets criteria to be classified as uncertain significance for primary mitochondrial disease inherited in a mitochondrial manner. This classification was approved by the NICHD/NINDS U24 ClinGen Mitochondrial Disease Variant Curation Expert Panel on May 28, 2024. Mitochondrial DNA-specific ACMG/AMP criteria applied (PMID: 32906214): PM2_supporting, PS3_supporting.

OMIM
Classification: Pathogenic for OPHTHALMOPLEGIA, ISOLATED. Last evaluated: 1994-10-28. Review status: no assertion criteria provided. Collection method: literature only. Allele origin: germline. Not counted in ClinVar's aggregate classification.

Literature cited by the submitters: PubMed 11335700 (cited by ClinGen Mitochondrial Disease Nuclear and Mitochondrial  Variant Curation Expert Panel, ClinGen); PubMed 7980504 (cited by OMIM).

NC_012920.1(MT-TN):m.5692T>C

Gene: MT-TN (mitochondrially encoded tRNA asparagine; minus strand).
Variant type: single nucleotide variant.
Genome position: chrM-5692-T-C.
Other names: 5692A-G.
Identifiers: ClinVar variation 9621 (VCV000009621.2), dbSNP rs199476131, ClinGen allele CA120584.